The following is an entry in ClinVar:

ClinVar aggregate classification (germline): Uncertain significance. Review status: criteria provided, multiple submitters, no conflicts (2 of 4 stars). 3 submissions from 3 submitters: Uncertain significance (3). Last evaluated 2025-06-18.

Conditions:
Inborn genetic diseases. Identifiers: MedGen C0950123, MeSH D030342.
Deficiency of beta-ureidopropionase (UPB1D). Also called: Beta-ureidopropionase deficiency. Identifiers: Orphanet 65287, MedGen C1291512, MONDO:0013164, OMIM 613161.

Allele frequency attached by ClinVar (database versions not stated): gnomAD 0.00002; gnomAD exomes 0.00002; TOPMed 0.00006; ExAC 0.00009.
gnomAD v4.1: 25 of 1,614,004 alleles (0.0015%); highest among the groups gnomAD compares: Admixed American, 0.03%; no homozygotes.

Submissions (3):

Ambry Genetics
Classification: Uncertain significance for Inborn genetic diseases. Last evaluated: 2025-06-18. Review status: criteria provided, single submitter. Criteria: Ambry Variant Classification Scheme 2023. Collection method: clinical testing. Allele origin: germline.

Labcorp Genetics (formerly Invitae), Labcorp
Classification: Uncertain significance. Last evaluated: 2024-05-25. Review status: criteria provided, single submitter. Criteria: Invitae Variant Classification Sherloc (09022015). Collection method: clinical testing. Allele origin: germline.
Comment: This sequence change replaces arginine, which is basic and polar, with glutamine, which is neutral and polar, at codon 236 of the UPB1 protein (p.Arg236Gln). This variant is present in population databases (rs754923905, gnomAD 0.05%). This variant has not been reported in the literature in individuals affected with UPB1-related conditions. Advanced modeling of protein sequence and biophysical properties (such as structural, functional, and spatial information, amino acid conservation, physicochemical variation, residue mobility, and thermodynamic stability) has been performed at Invitae for this missense variant, however the output from this modeling did not meet the statistical confidence thresholds required to predict the impact of this variant on UPB1 protein function. In summary, the available evidence is currently insufficient to determine the role of this variant in disease. Therefore, it has been classified as a Variant of Uncertain Significance.

Baylor Genetics
Classification: Uncertain significance for Deficiency of beta-ureidopropionase. Last evaluated: 2024-01-26. Review status: criteria provided, single submitter. Criteria: ACMG Guidelines, 2015. Collection method: clinical testing. Allele origin: unknown.

NM_016327.3(UPB1):c.707G>A (p.Arg236Gln)

Gene: UPB1 (beta-ureidopropionase 1; plus strand). Cytogenetic location: 22q11.23.
Variant type: single nucleotide variant.
Coding change: c.707G>A on transcript NM_016327.3 (MANE Select); coding-DNA position 707, G replaced by A.
Protein change: p.Arg236Gln; replaces arginine 236 with glutamine.
Molecular consequence: missense variant.
Genome position (GRCh38, 1-based): chr22:24,515,286, G>A. VCF-style: chr22-24515286-G-A. GRCh37 (hg19) VCF-style: chr22-24911254-G-A.
Other names: c.707G>A (NM_016327.2); short protein forms R236Q.
Identifiers: ClinVar variation 2713707 (VCV002713707.5), dbSNP rs754923905, ClinGen allele CA10153312.